The following is an entry in ClinVar:

NM_025099.6(CTC1):c.1036C>T (p.Pro346Ser)

Gene: CTC1 (CST telomere replication complex component 1; minus strand). Cytogenetic location: 17p13.1.
Variant type: single nucleotide variant.
Coding change: c.1036C>T on transcript NM_025099.6 (MANE Select); coding-DNA position 1036, C replaced by T.
Protein change: p.Pro346Ser; replaces proline 346 with serine.
Molecular consequence: missense variant. On other transcripts: non-coding transcript variant (1).
Genome position (GRCh38, 1-based): chr17:8,236,099, G>A on the plus strand (C>T on the coding strand, the complement: CTC1 is on the minus strand). VCF-style: chr17-8236099-G-A. GRCh37 (hg19) VCF-style: chr17-8139417-G-A.
Other names: short protein forms P346S.
Identifiers: ClinVar variation 1503868 (VCV001503868.8), dbSNP rs2151522938, ClinGen allele CA397987984.
Genomic context (GRCh38, chr17:8,236,099, plus strand): 5'-GATCTCTCCCTGTGCTCACCGAATAGGATAGGAGTCTAGAATACCGGACAAGACTTTCTG[G>A]ATCCTTCTTGTCCTCCGAGTTGCTGGGCATGGGGAGTGGCTTGGGGTCAGCCTCTAAGAG-3'
Protein context (NP_079375.3, residues 336-356): MPSNSEDKKD[Pro346Ser]ESLVRYSRLL

ClinVar aggregate classification (germline): Uncertain significance (1 of 4 stars; one submission).

Conditions:
Dyskeratosis congenita. Identifiers: Orphanet 1775, MedGen C0265965, MONDO:0015780.

Submission:

Labcorp Genetics (formerly Invitae), Labcorp
Classification: Uncertain significance for Dyskeratosis congenita. Last evaluated: 2021-07-06. Review status: criteria provided, single submitter. Criteria: Invitae Variant Classification Sherloc (09022015). Collection method: clinical testing. Allele origin: germline.
Comment: This sequence change replaces proline with serine at codon 346 of the CTC1 protein (p.Pro346Ser). The proline residue is weakly conserved and there is a moderate physicochemical difference between proline and serine. This variant is not present in population databases (ExAC no frequency). This variant has not been reported in the literature in individuals affected with CTC1-related conditions. Algorithms developed to predict the effect of missense changes on protein structure and function output the following: SIFT: "Tolerated"; PolyPhen-2: "Benign"; Align-GVGD: "Class C0". The serine amino acid residue is found in multiple mammalian species, which suggests that this missense change does not adversely affect protein function. In summary, the available evidence is currently insufficient to determine the role of this variant in disease. Therefore, it has been classified as a Variant of Uncertain Significance.